The following is an entry in ClinVar:

NC_000001.11:g.(?_215670962)_(215675626_?)del

Gene: USH2A (usherin; minus strand). Cytogenetic location: 1q41.
Variant type: Deletion.
Identifiers: ClinVar variation 832301 (VCV000832301.1).

ClinVar aggregate classification (germline): Pathogenic (1 of 4 stars; one submission).

Submission:

Labcorp Genetics (formerly Invitae), Labcorp
Classification: Pathogenic. Last evaluated: 2020-01-03. Review status: criteria provided, single submitter. Criteria: Invitae Variant Classification Sherloc (09022015). Collection method: clinical testing. Allele origin: germline.
Comment: This variant is an in-frame deletion of the genomic region encompassing exons 63-64 of the USH2A gene. It preserves the integrity of the reading frame. Deletions of exons 63-64 have been observed in individuals affected with clinical features of retinitis pigmentosa and/or hearing loss (PMID: 28041643, 26969326, Invitae). This variant disrupts the p.Thr4439 amino acid residue in USH2A. Other variant(s) that disrupt this residue have been determined to be pathogenic (PMID: 25521520, 22135276, 27460420). This suggests that this residue is clinically significant, and that variants that disrupt this residue are likely to be disease-causing. For these reasons, this variant has been classified as Pathogenic.

Literature cited by the submitters: PubMed 27460420; PubMed 26969326; PubMed 25521520; PubMed 22135276; PubMed 28041643.